The following is an entry in ClinVar:

ClinVar aggregate classification (germline): Uncertain significance. Review status: criteria provided, multiple submitters, no conflicts (2 of 4 stars). 2 submissions from 2 submitters: Uncertain significance (2). Last evaluated 2025-11-17.

Conditions:
Hereditary cancer-predisposing syndrome. Also called: Tumor predisposition; Hereditary neoplastic syndrome; Hereditary Cancer Syndrome; Neoplastic Syndromes, Hereditary. Identifiers: Orphanet 140162, MedGen C0027672, MeSH D009386, MONDO:0015356.

Allele frequency attached by ClinVar (database versions not stated): gnomAD exomes below 0.00001.
gnomAD v4.1: 1 of 1,614,158 alleles (0.000062%); highest among the groups gnomAD compares: Non-Finnish European, 0.000085%; no homozygotes.

Submissions (2):

Color Diagnostics, LLC DBA Color Health
Classification: Uncertain significance for Hereditary cancer-predisposing syndrome. Last evaluated: 2025-11-17. Review status: criteria provided, single submitter. Criteria: ACMG Guidelines, 2015. Collection method: clinical testing. Allele origin: germline.
Comment: This missense variant replaces glutamine with proline at codon 698 of the MSH6 protein. Computational prediction is inconclusive regarding the impact of this variant on protein structure and function. To our knowledge, functional studies have not been reported for this variant. This variant has not been reported in individuals affected with MSH6-related disorders in the literature. This variant has been identified in 1/1614158 chromosomes in the general population by the Genome Aggregation Database (gnomAD). The available evidence is insufficient to determine the role of this variant in disease conclusively. Therefore, this variant is classified as a Variant of Uncertain Significance.

Ambry Genetics
Classification: Uncertain significance for Hereditary cancer-predisposing syndrome. Last evaluated: 2024-01-02. Review status: criteria provided, single submitter. Criteria: Ambry Variant Classification Scheme 2023. Collection method: clinical testing. Allele origin: germline.

NM_000179.3(MSH6):c.2093A>C (p.Gln698Pro)

Gene: MSH6 (mutS homolog 6; plus strand). Cytogenetic location: 2p16.3.
Variant type: single nucleotide variant.
Coding change: c.2093A>C on transcript NM_000179.3 (MANE Select); coding-DNA position 2093, A replaced by C.
Protein change: p.Gln698Pro; replaces glutamine 698 with proline.
Molecular consequence: missense variant. On other transcripts: non-coding transcript variant (5), intron variant (2).
Genome position (GRCh38, 1-based): chr2:47,800,076, A>C. VCF-style: chr2-47800076-A-C. GRCh37 (hg19) VCF-style: chr2-48027215-A-C.
Other names: c.1703A>C, p.Gln568Pro (NM_001281492.2); c.1187A>C, p.Gln396Pro (NM_001281493.2, NM_001281494.2, NM_001406811.1 and 6 more transcripts); c.2189A>C, p.Gln730Pro (NM_001406795.1, NM_001406802.1); c.2093A>C, p.Gln698Pro (NM_001406796.1, NM_001406798.1, NM_001406800.1 and 3 more transcripts); c.1796A>C, p.Gln599Pro (NM_001406797.1, NM_001406801.1, NM_001406805.1 and 10 more transcripts); c.1568A>C, p.Gln523Pro (NM_001406799.1, NM_001406806.1, NM_001406807.1); c.2015A>C, p.Gln672Pro (NM_001406804.1); c.2099A>C, p.Gln700Pro (NM_001406813.1); and 3 more; short protein forms Q396P, Q730P, Q599P, Q700P, Q642P, Q698P, Q523P, Q568P.
Identifiers: ClinVar variation 3211504 (VCV003211504.2), dbSNP rs1553413465, ClinGen allele CA346750869.